The following is an entry in ClinVar:

ClinVar aggregate classification (germline): Uncertain significance (1 of 4 stars; one submission).

Allele frequency attached by ClinVar (database versions not stated): gnomAD exomes below 0.00001.
gnomAD v4.1: 3 of 1,613,570 alleles (0.00019%); highest among the groups gnomAD compares: Non-Finnish European, 0.00025%; no homozygotes.

Submission:

Labcorp Genetics (formerly Invitae), Labcorp
Classification: Uncertain significance. Last evaluated: 2021-08-31. Review status: criteria provided, single submitter. Criteria: Invitae Variant Classification Sherloc (09022015). Collection method: clinical testing. Allele origin: germline.
Comment: In summary, the available evidence is currently insufficient to determine the role of this variant in disease. Therefore, it has been classified as a Variant of Uncertain Significance. This sequence change replaces lysine with methionine at codon 57 of the RBP3 protein (p.Lys57Met). The lysine residue is highly conserved and there is a moderate physicochemical difference between lysine and methionine. This variant is not present in population databases (ExAC no frequency). This variant has not been reported in the literature in individuals affected with RBP3-related conditions. Algorithms developed to predict the effect of missense changes on protein structure and function are either unavailable or do not agree on the potential impact of this missense change (SIFT: "Deleterious"; PolyPhen-2: "Possibly Damaging"; Align-GVGD: "Class C0").

NM_002900.3(RBP3):c.170A>T (p.Lys57Met)

Gene: RBP3 (retinol binding protein 3; plus strand). Cytogenetic location: 10q11.22.
Variant type: single nucleotide variant.
Coding change: c.170A>T on transcript NM_002900.3 (MANE Select); coding-DNA position 170, A replaced by T.
Protein change: p.Lys57Met; replaces lysine 57 with methionine.
Molecular consequence: missense variant.
Genome position (GRCh38, 1-based): chr10:47,348,654, A>T. VCF-style: chr10-47348654-A-T. GRCh37 (hg19) VCF-style: chr10-48390708-T-A.
Other names: short protein forms K57M.
Identifiers: ClinVar variation 1494648 (VCV001494648.6), dbSNP rs2132252167, ClinGen allele CA376664303.